The following is an entry in ClinVar:

NM_019594.4(LRRC8A):c.1287G>C (p.Glu429Asp)

Gene: LRRC8A (leucine rich repeat containing 8 VRAC subunit A; plus strand). Cytogenetic location: 9q34.11.
Variant type: single nucleotide variant.
Coding change: c.1287G>C on transcript NM_019594.4 (MANE Select); coding-DNA position 1287, G replaced by C.
Protein change: p.Glu429Asp; replaces glutamic acid 429 with aspartic acid.
Molecular consequence: missense variant.
Genome position (GRCh38, 1-based): chr9:128,908,451, G>C. VCF-style: chr9-128908451-G-C. GRCh37 (hg19) VCF-style: chr9-131670730-G-C.
Other names: c.1287G>C, p.Glu429Asp (NM_001127244.2, NM_001127245.2); short protein forms E429D.
Identifiers: ClinVar variation 3643325 (VCV003643325.2).

ClinVar aggregate classification (germline): Uncertain significance (1 of 4 stars; one submission).

Submission:

Labcorp Genetics (formerly Invitae), Labcorp
Classification: Uncertain significance. Last evaluated: 2024-02-25. Review status: criteria provided, single submitter. Criteria: Invitae Variant Classification Sherloc (09022015). Collection method: clinical testing. Allele origin: germline.
Comment: This sequence change replaces glutamic acid, which is acidic and polar, with aspartic acid, which is acidic and polar, at codon 429 of the LRRC8A protein (p.Glu429Asp). This variant is not present in population databases (gnomAD no frequency). This variant has not been reported in the literature in individuals affected with LRRC8A-related conditions. An algorithm developed to predict the effect of missense changes on protein structure and function (PolyPhen-2) suggests that this variant is likely to be disruptive. In summary, the available evidence is currently insufficient to determine the role of this variant in disease. Therefore, it has been classified as a Variant of Uncertain Significance.